The following is an entry in ClinVar:

ClinVar aggregate classification (germline): Uncertain significance. Review status: criteria provided, multiple submitters, no conflicts (2 of 4 stars). 2 submissions from 2 submitters: Uncertain significance (2). Last evaluated 2025-07-14.

Conditions:
Malignant hyperthermia, susceptibility to, 1 (MHS1). Also called: RYR1-Related Malignant Hyperthermia Susceptibility; Anesthesia related hyperthermia; Malignant hyperpyrexia; Fulminating hyperpyrexia; Pharmacogenic myopathy; Malignant hyperthermia suceptibility 1. Identifiers: Orphanet 423, MedGen C2930980, MONDO:0007783, OMIM 145600.
RYR1-related disorder. Also called: RYR1-related disorders; RYR1-related condition. Identifiers: MedGen CN239331.

Submissions (2):

Color Diagnostics, LLC DBA Color Health
Classification: Uncertain significance for Malignant hyperthermia, susceptibility to, 1. Last evaluated: 2025-07-14. Review status: criteria provided, single submitter. Criteria: ACMG Guidelines, 2015. Collection method: clinical testing. Allele origin: germline.
Comment: This missense variant replaces glutamic acid with leucine at codon 2783 of the RYR1 protein. To our knowledge, functional studies have not been reported for this variant. This variant has not been reported in individuals affected with RYR1-related disorders in the literature. This variant has not been identified in the general population by the Genome Aggregation Database (gnomAD). The available evidence is insufficient to determine the role of this variant in disease conclusively. Therefore, this variant is classified as a Variant of Uncertain Significance.

Labcorp Genetics (formerly Invitae), Labcorp
Classification: Uncertain significance for RYR1-related disorder. Last evaluated: 2021-09-01. Review status: criteria provided, single submitter. Criteria: Invitae Variant Classification Sherloc (09022015). Collection method: clinical testing. Allele origin: germline.

NM_000540.3(RYR1):c.8347_8348delinsCT (p.Glu2783Leu)

Genes: RYR1 (ryanodine receptor 1; plus strand), LOC126862902 (BRD4-independent group 4 enhancer GRCh37_chr19:38995830-38997029; plus strand). Cytogenetic location: 19q13.2.
Variant type: Indel.
Coding change: c.8347_8348delinsCT on transcript NM_000540.3 (MANE Select); coding-DNA positions 8347 to 8348, GA replaced by CT.
Protein change: p.Glu2783Leu; replaces glutamic acid 2783 with leucine.
Molecular consequence: missense variant.
Genome position (GRCh38, 1-based): chr19:38,505,345-38,505,346, GA replaced by CT. VCF-style: chr19-38505345-GA-CT. GRCh37 (hg19) VCF-style: chr19-38995985-GA-CT.
Other names: c.8347_8348delGAinsCT (NM_000540.2); c.8347_8348delinsCT, p.Glu2783Leu (NM_001042723.2); short protein forms E2783L.
Identifiers: ClinVar variation 654479 (VCV000654479.5), dbSNP rs1600847230, ClinGen allele CA915953001.